The following is an entry in ClinVar:

NM_033453.4(ITPA):c.517_519delinsGA (p.Asn173fs)

Gene: ITPA (inosine triphosphatase; plus strand). Cytogenetic location: 20p13.
Variant type: Indel.
Coding change: c.517_519delinsGA on transcript NM_033453.4 (MANE Select); coding-DNA positions 517 to 519, AAC replaced by GA.
Protein change: p.Asn173fs; shifts the reading frame from asparagine 173.
Molecular consequence: frameshift variant. On other transcripts: non-coding transcript variant (2), intron variant (1).
Genome position (GRCh38, 1-based): chr20:3,223,394-3,223,396, AAC replaced by GA. VCF-style: chr20-3223394-AAC-GA. GRCh37 (hg19) VCF-style: chr20-3204040-AAC-GA.
Other names: c.394_396delinsGA, p.Asn132fs (NM_001267623.2); c.180_182delinsGA, p.Thr61fs (NM_001324236.2, NM_001324237.2, NM_001324238.2 and 1 more transcripts); c.564_566delinsGA, p.Thr189fs (NM_001424408.1); c.643_645delinsGA, p.Asn215fs (NM_001424409.1); c.466_468delinsGA, p.Asn156fs (NM_181493.4); c.412-3289_412-3287delinsGA (NM_001324240.2); short protein forms N132fs, N156fs, N173fs, N215fs, T189fs, T61fs.
Identifiers: ClinVar variation 3768950 (VCV003768950.1).

ClinVar aggregate classification (germline): Uncertain significance (1 of 4 stars; one submission).

Submission:

Women's Health and Genetics/Laboratory Corporation of America, LabCorp
Classification: Uncertain significance. Last evaluated: 2025-02-27. Review status: criteria provided, single submitter. Criteria: LabCorp Variant Classification Summary - May 2015. Collection method: clinical testing. Allele origin: germline.
Comment: Variant summary: ITPA c.517_519delinsGA (p.Asn173Glufs*51) causes a frameshift which results in an extension of the protein. The variant was absent in 1613754 control chromosomes. c.517_519delinsGA has been reported in the literature in a homzoygous individual with a clinical presentation consistent with Early Infantile Epileptic Encephalopathy, 35 (Garg_ED_2022). These data indicate that the variant may be associated with disease. To our knowledge, no experimental evidence demonstrating an impact on protein function has been reported. The following publication has been ascertained in the context of this evaluation (PMID: 35770779). No submitters have cited clinical-significance assessments for this variant to ClinVar. Based on the evidence outlined above, the variant was classified as VUS-possibly pathogenic.

Literature cited by the submitters: PubMed 35770779.